The following is an entry in ClinVar:

ClinVar aggregate classification (germline): Uncertain significance. Review status: criteria provided, multiple submitters, no conflicts (2 of 4 stars). 2 submissions from 2 submitters: Uncertain significance (2). Last evaluated 2024-03-05.

Conditions:
Retinitis pigmentosa 80 (RP80). Identifiers: MedGen C4540439, MONDO:0054708, OMIM 617781.
Saldino-Mainzer syndrome (SRTD9). Also called: Renal dysplasia, retinal pigmentary dystrophy, cerebellar ataxia and skeletal dysplasia; CONORENAL SYNDROME; short-rib thoracic dysplasia 9 with or without polydactyly; SHORT-RIB THORACIC DYSPLASIA 9 WITHOUT POLYDACTYLY. Identifiers: Orphanet 140969, MedGen C1849437, MONDO:0009964, OMIM 266920.

Submissions (2):

Fulgent Genetics
Classification: Uncertain significance for Saldino-Mainzer syndrome; Retinitis pigmentosa 80. Last evaluated: 2024-03-05. Review status: criteria provided, single submitter. Criteria: ACMG Guidelines, 2015. Collection method: clinical testing. Allele origin: germline.

Labcorp Genetics (formerly Invitae), Labcorp
Classification: Uncertain significance for Saldino-Mainzer syndrome. Last evaluated: 2022-07-22. Review status: criteria provided, single submitter. Criteria: Invitae Variant Classification Sherloc (09022015). Collection method: clinical testing. Allele origin: germline.
Comment: In summary, the available evidence is currently insufficient to determine the role of this variant in disease. Therefore, it has been classified as a Variant of Uncertain Significance. Algorithms developed to predict the effect of missense changes on protein structure and function output the following: SIFT: "Tolerated"; PolyPhen-2: "Benign"; Align-GVGD: "Class C0". The alanine amino acid residue is found in multiple mammalian species, which suggests that this missense change does not adversely affect protein function. This variant has not been reported in the literature in individuals affected with IFT140-related conditions. This variant is not present in population databases (gnomAD no frequency). This sequence change replaces serine, which is neutral and polar, with alanine, which is neutral and non-polar, at codon 433 of the IFT140 protein (p.Ser433Ala).

NM_014714.4(IFT140):c.1297T>G (p.Ser433Ala)

Genes: IFT140 (intraflagellar transport 140; minus strand), LOC105371046 (uncharacterized LOC105371046; plus strand). Cytogenetic location: 16p13.3.
Variant type: single nucleotide variant.
Coding change: c.1297T>G on transcript NM_014714.4 (MANE Select); coding-DNA position 1297, T replaced by G.
Protein change: p.Ser433Ala; replaces serine 433 with alanine.
Molecular consequence: missense variant.
Genome position (GRCh38, 1-based): chr16:1,584,279, A>C on the plus strand (T>G on the coding strand, the complement: IFT140 is on the minus strand). VCF-style: chr16-1584279-A-C. GRCh37 (hg19) VCF-style: chr16-1634280-A-C.
Other names: short protein forms S433A.
Identifiers: ClinVar variation 1903279 (VCV001903279.6), dbSNP rs2507762293, ClinGen allele CA394214552.